The following is an entry in ClinVar:

NM_001197104.2(KMT2A):c.821G>T (p.Arg274Ile)

Gene: KMT2A (lysine methyltransferase 2A; plus strand). Cytogenetic location: 11q23.3.
Variant type: single nucleotide variant.
Coding change: c.821G>T on transcript NM_001197104.2 (MANE Select); coding-DNA position 821, G replaced by T.
Protein change: p.Arg274Ile; replaces arginine 274 with isoleucine.
Molecular consequence: missense variant.
Genome position (GRCh38, 1-based): chr11:118,471,980, G>T. VCF-style: chr11-118471980-G-T. GRCh37 (hg19) VCF-style: chr11-118342695-G-T.
Other names: c.920G>T, p.Arg307Ile (NM_001412597.1); c.821G>T, p.Arg274Ile (NM_005933.4); short protein forms R274I, R307I.
Identifiers: ClinVar variation 4085327 (VCV004085327.8).

ClinVar aggregate classification (germline): Uncertain significance (1 of 4 stars; one submission).

Submission:

CeGaT Center for Human Genetics Tuebingen
Classification: Uncertain significance. Last evaluated: 2025-06-01. Review status: criteria provided, single submitter. Criteria: CeGaT Center For Human Genetics Tuebingen Variant Classification Criteria Version 2. Collection method: clinical testing. Allele origin: germline. Affected: yes. Observed: 1 variant allele.
Comment: KMT2A: PM2, PS2:Supporting